The following is an entry in ClinVar:

ClinVar aggregate classification (germline): Uncertain significance (1 of 4 stars; one submission).

Conditions:
CSMD1-related disorder. Also called: CSMD1-related condition.

gnomAD v4.1: 2 of 1,612,252 alleles (0.00012%); highest among the groups gnomAD compares: Non-Finnish European, 0.00017%; no homozygotes.

Submission:

PreventionGenetics, part of Exact Sciences
Classification: Uncertain significance for CSMD1-related condition. Last evaluated: 2025-09-29. Review status: criteria provided, single submitter. Criteria: ACMG Guidelines, 2015. Collection method: clinical testing. Allele origin: germline.
Comment: The CSMD1 c.10666A>T variant is predicted to result in the amino acid substitution p.Thr3556Ser. To our knowledge, this variant has not been reported in the literature or in a large population database (gnomAD), indicating this variant is rare. At this time, the clinical significance of this variant is uncertain due to the absence of conclusive functional and genetic evidence.

NM_033225.6(CSMD1):c.10666A>T (p.Thr3556Ser)

Genes: CSMD1 (CUB and Sushi multiple domains 1; minus strand), LOC105377785 (uncharacterized LOC105377785; plus strand). Cytogenetic location: 8p23.2.
Variant type: single nucleotide variant.
Coding change: c.10666A>T on transcript NM_033225.6 (MANE Select); coding-DNA position 10666, A replaced by T.
Protein change: p.Thr3556Ser; replaces threonine 3556 with serine.
Molecular consequence: missense variant.
Genome position (GRCh38, 1-based): chr8:2,938,614, T>A on the plus strand (A>T on the coding strand, the complement: CSMD1 is on the minus strand). VCF-style: chr8-2938614-T-A. GRCh37 (hg19) VCF-style: chr8-2796136-T-A.
Other names: short protein forms T3556S.
Identifiers: ClinVar variation 4997300 (VCV004997300.1).